The following is an entry in ClinVar:

NM_000140.5(FECH):c.346A>C (p.Thr116Pro)

Gene: FECH (ferrochelatase; minus strand). Cytogenetic location: 18q21.31.
Variant type: single nucleotide variant.
Coding change: c.346A>C on transcript NM_000140.5 (MANE Select); coding-DNA position 346, A replaced by C.
Protein change: p.Thr116Pro; replaces threonine 116 with proline.
Molecular consequence: missense variant.
Genome position (GRCh38, 1-based): chr18:57,571,509, T>G on the plus strand (A>C on the coding strand, the complement: FECH is on the minus strand). VCF-style: chr18-57571509-T-G. GRCh37 (hg19) VCF-style: chr18-55238741-T-G.
Other names: c.364A>C, p.Thr122Pro (NM_001012515.4); c.346A>C, p.Thr116Pro (NM_001371094.1, NM_001374778.1); c.130A>C, p.Thr44Pro (NM_001371095.1); short protein forms T116P, T122P, T44P.
Identifiers: ClinVar variation 1510467 (VCV001510467.6), dbSNP rs1422688348, ClinGen allele CA402536715.

ClinVar aggregate classification (germline): Uncertain significance (1 of 4 stars; one submission).

Allele frequency attached by ClinVar (database versions not stated): gnomAD exomes below 0.00001 and 0.00001; TOPMed below 0.00001; gnomAD 0.00001.
gnomAD v4.1: 6 of 1,613,980 alleles (0.00037%); highest among the groups gnomAD compares: Non-Finnish European, 0.00051%; no homozygotes.

Submission:

Labcorp Genetics (formerly Invitae), Labcorp
Classification: Uncertain significance. Last evaluated: 2022-01-28. Review status: criteria provided, single submitter. Criteria: Invitae Variant Classification Sherloc (09022015). Collection method: clinical testing. Allele origin: germline.
Comment: In summary, the available evidence is currently insufficient to determine the role of this variant in disease. Therefore, it has been classified as a Variant of Uncertain Significance. Algorithms developed to predict the effect of missense changes on protein structure and function (SIFT, PolyPhen-2, Align-GVGD) all suggest that this variant is likely to be disruptive. This missense change has been observed in individual(s) with erythropoietic protoporphyria (PMID: 23364466; Invitae). In at least one individual the data is consistent with being in trans (on the opposite chromosome) from a pathogenic variant. This variant is present in population databases (no rsID available, gnomAD 0.0009%). This sequence change replaces threonine, which is neutral and polar, with proline, which is neutral and non-polar, at codon 116 of the FECH protein (p.Thr116Pro).

Literature cited by the submitters: PubMed 23364466.